The following is an entry in ClinVar:

ClinVar aggregate classification (germline): Pathogenic/Likely pathogenic. Review status: criteria provided, multiple submitters, no conflicts (2 of 4 stars). 2 submissions from 2 submitters: Pathogenic (1); Likely pathogenic (1). Last evaluated 2025-01-14.

Conditions:
Gaucher disease. Also called: Acute cerebral Gaucher disease; Cerebroside lipidosis syndrome; Gaucher splenomegaly; Sphingolipidosis 1; Glucocerebrosidosis; Glucosylceramidase deficiency. Identifiers: Orphanet 355, MedGen C0017205, MONDO:0018150.

Submissions (2):

Women's Health and Genetics/Laboratory Corporation of America, LabCorp
Classification: Pathogenic for Gaucher disease. Last evaluated: 2025-01-14. Review status: criteria provided, single submitter. Criteria: LabCorp Variant Classification Summary - May 2015. Collection method: clinical testing. Allele origin: germline.
Comment: Variant summary: GBA1 c.1165C>T (p.Gln389X) results in a premature termination codon, predicted to cause a truncation of the encoded protein or absence of the protein due to nonsense mediated decay, which are commonly known mechanisms for disease. The variant allele was found at a frequency of 6.2e-07 in 1607210 control chromosomes (gnomAD v4.1). c.1165C>T has been reported in the literature in individuals affected with Gaucher Disease (e.g. Orvisky_2002). To our knowledge, no experimental evidence demonstrating an impact on protein function has been reported. The following publication have been ascertained in the context of this evaluation (PMID: 11933202). No submitters have cited clinical-significance assessments for this variant to ClinVar. Based on the evidence outlined above, the variant was classified as pathogenic.

Revvity Omics, Revvity
Classification: Likely pathogenic. Last evaluated: 2024-01-12. Review status: criteria provided, single submitter. Criteria: ACMG Guidelines, 2015. Collection method: clinical testing. Allele origin: germline.

Literature cited by the submitters: PubMed 11933202 (cited by Women's Health and Genetics/Laboratory Corporation of America, LabCorp).

NM_000157.4(GBA1):c.1165C>T (p.Gln389Ter)

Genes: GBA1 (glucosylceramidase beta 1; minus strand), LOC106627981 (GBA recombination region; plus strand). Cytogenetic location: 1q22.
Variant type: single nucleotide variant.
Coding change: c.1165C>T on transcript NM_000157.4 (MANE Select); coding-DNA position 1165, C replaced by T.
Protein change: p.Gln389Ter; replaces glutamine 389 with a stop codon.
Molecular consequence: nonsense.
Genome position (GRCh38, 1-based): chr1:155,236,304, G>A on the plus strand (C>T on the coding strand, the complement: GBA1 is on the minus strand). VCF-style: chr1-155236304-G-A. GRCh37 (hg19) VCF-style: chr1-155206095-G-A.
Other names: c.1165C>T, p.Gln389Ter (NM_001005742.3, NM_001005741.3); c.904C>T, p.Gln302Ter (NM_001171811.2); c.1018C>T, p.Gln340Ter (NM_001171812.2); short protein forms Q302*, Q340*, Q389*.
Identifiers: ClinVar variation 3769123 (VCV003769123.3).
Genomic context (GRCh38, chr1:155,236,304, plus strand): 5'-CCGTGATGATGCTGTGGCTGTACTGCATCCCTCGATCCCAGGAGCCTAGCCGCACACTCT[G>A]CTCCCAGAACTTGGAGCCCACACAGGCCTCTGAGGCAAAGAGCATGGTGTTGGGGAACAG-3'